The following is an entry in ClinVar:

NM_014159.7(SETD2):c.5885C>A (p.Pro1962His)

Gene: SETD2 (SET domain containing 2, histone lysine methyltransferase; minus strand). Cytogenetic location: 3p21.31.
Variant type: single nucleotide variant.
Coding change: c.5885C>A on transcript NM_014159.7 (MANE Select); coding-DNA position 5885, C replaced by A.
Protein change: p.Pro1962His; replaces proline 1962 with histidine.
Molecular consequence: missense variant. On other transcripts: non-coding transcript variant (1).
Genome position (GRCh38, 1-based): chr3:47,083,895, G>T on the plus strand (C>A on the coding strand, the complement: SETD2 is on the minus strand). VCF-style: chr3-47083895-G-T. GRCh37 (hg19) VCF-style: chr3-47125385-G-T.
Other names: c.5753C>A, p.Pro1918His (NM_001349370.3); short protein forms P1962H, P1918H.
Identifiers: ClinVar variation 3719625 (VCV003719625.2).

ClinVar aggregate classification (germline): Uncertain significance (1 of 4 stars; one submission).

Conditions:
Luscan-Lumish syndrome. Identifiers: Orphanet 597738, MedGen C4085873, MONDO:0014791, OMIM 616831.

gnomAD v4.1: 36 of 1,613,700 alleles (0.0022%); highest among the groups gnomAD compares: African/African-American, 0.0027%; no homozygotes.

Submission:

Labcorp Genetics (formerly Invitae), Labcorp
Classification: Uncertain significance for Luscan-Lumish syndrome. Last evaluated: 2024-11-20. Review status: criteria provided, single submitter. Criteria: Invitae Variant Classification Sherloc (09022015). Collection method: clinical testing. Allele origin: germline.
Comment: This sequence change replaces proline, which is neutral and non-polar, with histidine, which is basic and polar, at codon 1962 of the SETD2 protein (p.Pro1962His). This variant is present in population databases (rs4082155, gnomAD 0.01%). This variant has not been reported in the literature in individuals affected with SETD2-related conditions. Invitae Evidence Modeling of protein sequence and biophysical properties (such as structural, functional, and spatial information, amino acid conservation, physicochemical variation, residue mobility, and thermodynamic stability) indicates that this missense variant is not expected to disrupt SETD2 protein function with a negative predictive value of 80%. In summary, the available evidence is currently insufficient to determine the role of this variant in disease. Therefore, it has been classified as a Variant of Uncertain Significance.